The following is an entry in ClinVar:

NM_031433.4(MFRP):c.642-2A>G

Genes: C1QTNF5 (C1q and TNF related 5; minus strand), MFRP (membrane frizzled-related protein; minus strand). Cytogenetic location: 11q23.3.
Variant type: single nucleotide variant.
Coding change: c.642-2A>G on transcript NM_031433.4 (MANE Select); the canonical splice acceptor site of the intron before coding-DNA position 642, A replaced by G.
Molecular consequence: splice acceptor variant.
Genome position (GRCh38, 1-based): chr11:119,345,006, T>C on the plus strand (A>G on the coding strand, the complement: MFRP is on the minus strand). VCF-style: chr11-119345006-T-C. GRCh37 (hg19) VCF-style: chr11-119215716-T-C.
Other names: c.-1995-2A>G (NM_015645.5).
Identifiers: ClinVar variation 497208 (VCV000497208.18), dbSNP rs376898612, ClinGen allele CA6320461.

ClinVar aggregate classification (germline): Pathogenic/Likely pathogenic. Review status: criteria provided, multiple submitters, no conflicts (2 of 4 stars). 5 submissions from 5 submitters: Pathogenic (4); Likely pathogenic (1). Last evaluated 2025-12-03.

Conditions:
C1QTNF5 & MFRP-related disorders.
MFRP-related disorder. Also called: MFRP-related disorders; MFRP-related condition.
Isolated microphthalmia 5. Also called: Posterior Microphthalmia with Retinitis Pigmentosa, Foveoschisis, and Optic Disc Drusen. Identifiers: Orphanet 251279, MedGen C1970236, MONDO:0012605, OMIM 611040.
Nanophthalmos 2 (NNO2). Also called: NANOPHTHALMIA 2; NANOPHTHALMOS, AUTOSOMAL RECESSIVE. Identifiers: Orphanet 35612, MedGen C1836006, MONDO:0012299, OMIM 609549.

Allele frequency attached by ClinVar (database versions not stated): gnomAD 0.00005 and 0.00006; TOPMed 0.00008; ExAC 0.00014; ESP Exome Variant Server 0.00008; gnomAD exomes 0.00011.
gnomAD v4.1: 349 of 1,603,336 alleles (0.022%); highest among the groups gnomAD compares: Non-Finnish European, 0.029%; no homozygotes.

Submissions (5):

PreventionGenetics, part of Exact Sciences
Classification: Likely pathogenic for MFRP-related condition. Last evaluated: 2025-12-03. Review status: criteria provided, single submitter. Criteria: ACMG Guidelines, 2015. Collection method: clinical testing. Allele origin: germline.
Comment: The MFRP c.642-2A>G variant is predicted to disrupt the AG splice acceptor site and interfere with normal splicing. This variant has been reported in two individuals with high hyperopia and nanopthalmos (Prasov et al. 2020. PubMed ID: 33203948). It has also been reported in an individual with autosomal recessive inherited retinal disease (Table S1, Lin et al. 2024. PubMed ID: 38219857). This variant is reported in 0.019% of alleles in individuals of European (Non-Finnish) descent in gnomAD. Variants that disrupt the consensus splice acceptor site in MFRP are expected to be pathogenic. This variant is interpreted as likely pathogenic.

Labcorp Genetics (formerly Invitae), Labcorp
Classification: Pathogenic for Isolated microphthalmia 5. Last evaluated: 2025-09-09. Review status: criteria provided, single submitter. Criteria: Invitae Variant Classification Sherloc (09022015). Collection method: clinical testing. Allele origin: germline.
Comment: This sequence change affects an acceptor splice site in intron 5 of the MFRP gene. It is expected to disrupt RNA splicing. Variants that disrupt the donor or acceptor splice site typically lead to a loss of protein function (PMID: 16199547), and loss-of-function variants in MFRP are known to be pathogenic (PMID: 12140190, 15976030, 20361016). This variant is present in population databases (rs376898612, gnomAD 0.02%). Disruption of this splice site has been observed in individuals with microphthalmia (PMID: 33203948). ClinVar contains an entry for this variant (Variation ID: 497208). Algorithms developed to predict the effect of sequence changes on RNA splicing suggest that this variant may disrupt the consensus splice site. For these reasons, this variant has been classified as Pathogenic.

First Genomix Gene Laboratory, Genetic Diagnostics Department
Classification: Pathogenic for Isolated microphthalmia 5; Nanophthalmos 2. Last evaluated: 2025-07-14. Review status: criteria provided, single submitter. Criteria: ACMG Guidelines, 2015. Collection method: clinical testing. Allele origin: germline. Inheritance: Autosomal recessive inheritance. Affected: no. Observed: 1 variant allele.

Blueprint Genetics
Classification: Pathogenic for C1QTNF5 & MFRP-related disorders. Last evaluated: 2023-02-09. Review status: criteria provided, single submitter. Criteria: ACMG Guidelines, 2015. Collection method: clinical testing. Allele origin: germline. Affected: yes. Observed: 5 variant alleles.

Eurofins Ntd Llc (ga)
Classification: Pathogenic. Last evaluated: 2016-10-06. Review status: criteria provided, single submitter. Criteria: EGL Classification Definitions 2015. Collection method: clinical testing. Allele origin: germline. Observed: 1 variant allele, 1 heterozygote.

Literature cited by the submitters: PubMed 16199547 (cited by Labcorp Genetics (formerly Invitae), Labcorp); PubMed 12140190 (cited by Labcorp Genetics (formerly Invitae), Labcorp); PubMed 15976030 (cited by Labcorp Genetics (formerly Invitae), Labcorp); PubMed 20361016 (cited by Labcorp Genetics (formerly Invitae), Labcorp); PubMed 33203948 (cited by Labcorp Genetics (formerly Invitae), Labcorp).